The following is an entry in ClinVar:

ClinVar aggregate classification (germline): Uncertain significance. Review status: criteria provided, multiple submitters, no conflicts (2 of 4 stars). 2 submissions from 2 submitters: Uncertain significance (2). Last evaluated 2022-10-26.

Conditions:
Inborn genetic diseases. Identifiers: MedGen C0950123, MeSH D030342.

Allele frequency attached by ClinVar (database versions not stated): gnomAD 0.00001.
gnomAD v4.1: 11 of 1,613,908 alleles (0.00068%); highest among the groups gnomAD compares: Admixed American, 0.0017%; no homozygotes.

Submissions (2):

Ambry Genetics
Classification: Uncertain significance for Inborn genetic diseases. Last evaluated: 2022-10-26. Review status: criteria provided, single submitter. Criteria: Ambry Variant Classification Scheme 2023. Collection method: clinical testing. Allele origin: germline.

Labcorp Genetics (formerly Invitae), Labcorp
Classification: Uncertain significance. Last evaluated: 2022-02-25. Review status: criteria provided, single submitter. Criteria: Invitae Variant Classification Sherloc (09022015). Collection method: clinical testing. Allele origin: germline.
Comment: Experimental studies and prediction algorithms are not available or were not evaluated, and the functional significance of this variant is currently unknown. In summary, the available evidence is currently insufficient to determine the role of this variant in disease. Therefore, it has been classified as a Variant of Uncertain Significance. This sequence change replaces arginine, which is basic and polar, with cysteine, which is neutral and slightly polar, at codon 536 of the ARMC9 protein (p.Arg536Cys). This variant is present in population databases (rs201558091, gnomAD 0.003%). This variant has not been reported in the literature in individuals affected with ARMC9-related conditions.

NM_001352754.2(ARMC9):c.1606C>T (p.Arg536Cys)

Gene: ARMC9 (armadillo repeat containing 9; plus strand). Cytogenetic location: 2q37.1.
Variant type: single nucleotide variant.
Coding change: c.1606C>T on transcript NM_001352754.2 (MANE Select); coding-DNA position 1606, C replaced by T.
Protein change: p.Arg536Cys; replaces arginine 536 with cysteine.
Molecular consequence: missense variant. On other transcripts: non-coding transcript variant (1).
Genome position (GRCh38, 1-based): chr2:231,282,113, C>T. VCF-style: chr2-231282113-C-T. GRCh37 (hg19) VCF-style: chr2-232146826-C-T.
Other names: c.1606C>T, p.Arg536Cys (NM_001271466.4, NM_001291656.2, NM_001352755.2 and 3 more transcripts); c.1507C>T, p.Arg503Cys (NM_001352757.2, NM_001352758.2); short protein forms R503C, R536C.
Identifiers: ClinVar variation 1964116 (VCV001964116.6), dbSNP rs201558091, ClinGen allele CA66828921.
Genomic context (GRCh38, chr2:231,282,113, plus strand): 5'-TTAAAGATACAGCCGTATGTGAATGGAGCTCTGTACAGCATCCTTTCTGTTCCATCCATT[C>T]GTGAGGAAGCAAGAGCAATGGTAAGAAAGCGTGCCTGAGAAACATGTGAGCTTCCTTTAG-3'
Protein context (NP_001339683.2, residues 526-546): LYSILSVPSI[Arg536Cys]EEARAMGMED